The following is an entry in ClinVar:

ClinVar aggregate classification (germline): Conflicting classifications of pathogenicity. Review status: criteria provided, conflicting classifications (1 of 4 stars). 7 submissions from 6 submitters: Uncertain significance (6); Likely benign (1). Last evaluated 2026-01-26.

Conditions:
Mitochondrial complex II deficiency, nuclear type 1. Also called: SUCCINATE CoQ REDUCTASE DEFICIENCY. Identifiers: Orphanet 3208, MedGen C5700310, MONDO:0100294, OMIM 252011.
Pheochromocytoma/paraganglioma syndrome 5. Also called: Paragangliomas 5; SDHA-Related Hereditary Paraganglioma-Pheochromocytoma Syndrome. Identifiers: Orphanet 29072, MedGen C3279992, MONDO:0013602, OMIM 614165.
Hereditary cancer-predisposing syndrome. Also called: Neoplastic Syndromes, Hereditary; Tumor predisposition; Hereditary neoplastic syndrome; Hereditary Cancer Syndrome. Identifiers: Orphanet 140162, MedGen C0027672, MeSH D009386, MONDO:0015356.
Dilated cardiomyopathy 1GG (CMD1GG). Identifiers: Orphanet 154, MedGen C3150898, MONDO:0013339, OMIM 613642.

Allele frequency attached by ClinVar (database versions not stated): TOPMed 0.00001.
gnomAD v4.1: 52 of 1,613,922 alleles (0.0032%); highest among the groups gnomAD compares: South Asian, 0.052%; 1 homozygote.

Submissions (7):

GeneDx
Classification: Uncertain significance. Last evaluated: 2026-01-26. Review status: criteria provided, single submitter. Criteria: GeneDx Variant Classification Process June 2021. Collection method: clinical testing. Allele origin: germline.
Comment: Reported in an individual with myopathy who had another variant in SDHA present (PMID: 31069529); In silico analysis supports that this missense variant has a deleterious effect on protein structure/function; This variant is associated with the following publications: (PMID: 31069529, 38473309)

Labcorp Genetics (formerly Invitae), Labcorp
Classification: Likely benign for Pheochromocytoma/paraganglioma syndrome 5; Mitochondrial complex II deficiency, nuclear type 1. Last evaluated: 2025-12-27. Review status: criteria provided, single submitter. Criteria: Invitae Variant Classification Sherloc (09022015). Collection method: clinical testing. Allele origin: germline.

Ambry Genetics
Classification: Uncertain significance for Hereditary cancer-predisposing syndrome. Last evaluated: 2025-04-30. Review status: criteria provided, single submitter. Criteria: Ambry Variant Classification Scheme 2023. Collection method: clinical testing. Allele origin: germline.
Comment: The p.V393L variant (also known as c.1177G>T), located in coding exon 9 of the SDHA gene, results from a G to T substitution at nucleotide position 1177. The valine at codon 393 is replaced by leucine, an amino acid with highly similar properties. This variant has also been reported in one individual with no personal or family history of PGL/PCC or GIST (Rana HQ et al. Cancers (Basel). 2024 Feb;16(5)). This amino acid position is highly conserved in available vertebrate species. In addition, the in silico prediction for this alteration is inconclusive. Based on the available evidence, the clinical significance of this variant remains unclear.

Baylor Genetics
Classification: Uncertain significance for Dilated cardiomyopathy 1GG. Last evaluated: 2023-11-21. Review status: criteria provided, single submitter. Criteria: ACMG Guidelines, 2015. Collection method: clinical testing. Allele origin: unknown.

Sema4
Classification: Uncertain significance for Hereditary cancer-predisposing syndrome. Last evaluated: 2022-01-06. Review status: criteria provided, single submitter. Criteria: Sema4 Curation Guidelines. Collection method: curation. Allele origin: germline.
Comment: To the best of our knowledge, the SDHA c.1177G>T (p.V393L) variant has not been reported in individuals with SDHA-related disease. It was observed in 21/30616 chromosomes of the South Asian subpopulation in the large and broad cohorts of the Genome Aggregation Database (PMID: 32461654). The variant has been reported in ClinVar (Variation ID 472304). Functional studies have not been performed, and in silico predictions of the variant's effect on protein function are inconclusive. The evidence is insufficient to meet ACMG/AMP criteria for classifying the variant as benign or pathogenic. Thus, the clinical significance of this variant is currently uncertain.

Revvity Omics, Revvity
Classification: Uncertain significance. Last evaluated: 2021-09-03. Review status: criteria provided, single submitter. Criteria: ACMG Guidelines, 2015. Collection method: clinical testing. Allele origin: germline.

Baylor Genetics
Classification: Uncertain significance for Mitochondrial complex II deficiency, nuclear type 1. Last evaluated: 2020-07-20. Review status: criteria provided, single submitter. Criteria: ACMG Guidelines, 2015. Collection method: clinical testing. Allele origin: unknown. Affected: yes.
Comment: This variant was determined to be of uncertain significance according to ACMG Guidelines, 2015 [PMID:25741868].

Literature cited by the submitters: PubMed 31069529 (cited by Ambry Genetics); PubMed 38473309 (cited by Ambry Genetics).

NM_004168.4(SDHA):c.1177G>T (p.Val393Leu)

Gene: SDHA (succinate dehydrogenase complex flavoprotein subunit A; plus strand). Cytogenetic location: 5p15.33.
Variant type: single nucleotide variant.
Coding change: c.1177G>T on transcript NM_004168.4 (MANE Select); coding-DNA position 1177, G replaced by T.
Protein change: p.Val393Leu; replaces valine 393 with leucine.
Molecular consequence: missense variant.
Genome position (GRCh38, 1-based): chr5:235,256, G>T. VCF-style: chr5-235256-G-T. GRCh37 (hg19) VCF-style: chr5-235371-G-T.
Other names: c.1033G>T, p.Val345Leu (NM_001294332.2); c.1177G>T, p.Val393Leu (NM_001330758.2); short protein forms V393L, V345L.
Identifiers: ClinVar variation 472304 (VCV000472304.22), dbSNP rs372989971, ClinGen allele CA3173129.